The following is an entry in ClinVar:

ClinVar aggregate classification (germline): Uncertain significance (1 of 4 stars; one submission).

Conditions:
Cowden syndrome 3 (CWS3). Identifiers: Orphanet 201, MedGen CN166604, MONDO:0014045.
Pheochromocytoma. Also called: MAX-Related Hereditary Paraganglioma-Pheochromocytoma Syndrome. Identifiers: Orphanet 29072, MedGen C0031511, MONDO:0008233, OMIM 171300, HP:0002666.
Paragangliomas with sensorineural hearing loss. Identifiers: MedGen C1868633.
Carney-Stratakis syndrome. Also called: PARAGANGLIOMA AND GASTROINTESTINAL STROMAL TUMOR. Identifiers: Orphanet 97286, MedGen C1847319, MONDO:0011740, OMIM 606864.

Submission:

Labcorp Genetics (formerly Invitae), Labcorp
Classification: Uncertain significance for Carney-Stratakis syndrome; Paragangliomas with sensorineural hearing loss; Pheochromocytoma; Cowden syndrome 3. Last evaluated: 2024-04-05. Review status: criteria provided, single submitter. Criteria: Invitae Variant Classification Sherloc (09022015). Collection method: clinical testing. Allele origin: germline.
Comment: This sequence change replaces aspartic acid, which is acidic and polar, with isoleucine, which is neutral and non-polar, at codon 118 of the SDHD protein (p.Asp118Ile). Information on the frequency of this variant in the gnomAD database is not available, as this variant may be reported differently in the database. This variant has not been reported in the literature in individuals affected with SDHD-related conditions. An algorithm developed to predict the effect of missense changes on protein structure and function (PolyPhen-2) suggests that this variant is likely to be disruptive. In summary, the available evidence is currently insufficient to determine the role of this variant in disease. Therefore, it has been classified as a Variant of Uncertain Significance.

NM_003002.4(SDHD):c.352_353delinsAT (p.Asp118Ile)

Gene: SDHD (succinate dehydrogenase complex subunit D; plus strand). Cytogenetic location: 11q23.1.
Variant type: Indel.
Coding change: c.352_353delinsAT on transcript NM_003002.4 (MANE Select); coding-DNA positions 352 to 353, GA replaced by AT.
Protein change: p.Asp118Ile; replaces aspartic acid 118 with isoleucine.
Molecular consequence: missense variant. On other transcripts: 3 prime UTR variant (1), non-coding transcript variant (1).
Genome position (GRCh38, 1-based): chr11:112,094,842-112,094,843, GA replaced by AT. VCF-style: chr11-112094842-GA-AT. GRCh37 (hg19) VCF-style: chr11-111965566-GA-AT.
Other names: c.207_208delinsAT, p.Met70Leu (NM_001276503.2); c.235_236delinsAT, p.Asp79Ile (NM_001276504.2); c.*50_*51delinsAT (NM_001276506.2); short protein forms D118I, M70L, D79I.
Identifiers: ClinVar variation 2950903 (VCV002950903.3), dbSNP rs2498917333, ClinGen allele CA2740090851.